The following is an entry in ClinVar:

ClinVar aggregate classification (germline): Benign/Likely benign. Review status: criteria provided, multiple submitters, no conflicts (2 of 4 stars). 4 submissions from 4 submitters: Benign (1); Likely benign (2). 1 of the submissions does not count toward it. Last evaluated 2021-03-01.

Conditions:
CENPE-related disorder. Also called: CENPE-related condition.

Allele frequency attached by ClinVar (database versions not stated): ExAC 0.00324; gnomAD 0.01029 and 0.01085; gnomAD exomes 0.00091 and 0.00268; ESP Exome Variant Server 0.01053; 1000 Genomes Project 0.01118; TOPMed 0.01136; 1000 Genomes Project 30x 0.01156.
gnomAD v4.1: 2,962 of 1,613,006 alleles (0.18%); highest among the groups gnomAD compares: African/African-American, 3.5%; 51 homozygotes.

Submissions (4):

GeneDx
Classification: Likely benign. Last evaluated: 2021-03-01. Review status: criteria provided, single submitter. Criteria: GeneDx Variant Classification Process June 2021. Collection method: clinical testing. Allele origin: germline. Affected: yes.

Labcorp Genetics (formerly Invitae), Labcorp
Classification: Benign. Last evaluated: 2019-12-31. Review status: criteria provided, single submitter. Criteria: Invitae Variant Classification Sherloc (09022015). Collection method: clinical testing. Allele origin: germline.

Breakthrough Genomics
Classification: Likely benign. Review status: criteria provided, single submitter. Criteria: ACMG Guidelines, 2015. Collection method: not provided. Allele origin: germline. Inheritance: Autosomal recessive inheritance. Affected: yes.

PreventionGenetics, part of Exact Sciences
Classification: Benign for CENPE-related condition. Last evaluated: 2024-04-15. Review status: no assertion criteria provided. Collection method: clinical testing. Allele origin: germline. Not counted in ClinVar's aggregate classification.
Comment: This variant is classified as benign based on ACMG/AMP sequence variant interpretation guidelines (Richards et al. 2015 PMID: 25741868, with internal and published modifications).

NM_001813.3(CENPE):c.7764G>A (p.Lys2588=)

Gene: CENPE (centromere protein E; minus strand). Cytogenetic location: 4q24.
Variant type: single nucleotide variant.
Coding change: c.7764G>A on transcript NM_001813.3 (MANE Select); coding-DNA position 7764, G replaced by A.
Protein change: p.Lys2588=; no amino-acid change (lysine 2588 retained).
Molecular consequence: synonymous variant.
Genome position (GRCh38, 1-based): chr4:103,109,050, C>T on the plus strand (G>A on the coding strand, the complement: CENPE is on the minus strand). VCF-style: chr4-103109050-C-T. GRCh37 (hg19) VCF-style: chr4-104030207-C-T.
Other names: c.7401G>A, p.Lys2467= (NM_001286734.2).
Identifiers: ClinVar variation 786043 (VCV000786043.8), dbSNP rs61758372, ClinGen allele CA3029057.